The following is an entry in ClinVar:

NM_001365480.1(CCDC88A):c.604G>A (p.Asp202Asn)

Gene: CCDC88A (coiled-coil and HOOK domain protein 88A; minus strand). Cytogenetic location: 2p16.1.
Variant type: single nucleotide variant.
Coding change: c.604G>A on transcript NM_001365480.1 (MANE Select); coding-DNA position 604, G replaced by A.
Protein change: p.Asp202Asn; replaces aspartic acid 202 with asparagine.
Molecular consequence: missense variant.
Genome position (GRCh38, 1-based): chr2:55,362,331, C>T on the plus strand (G>A on the coding strand, the complement: CCDC88A is on the minus strand). VCF-style: chr2-55362331-C-T. GRCh37 (hg19) VCF-style: chr2-55589467-C-T.
Other names: c.604G>A, p.Asp202Asn (NM_001135597.2, NM_001254943.2, NM_018084.5); short protein forms D202N.
Identifiers: ClinVar variation 1515961 (VCV001515961.6), dbSNP rs2104785964, ClinGen allele CA346910248.

ClinVar aggregate classification (germline): Uncertain significance (1 of 4 stars; one submission).

Submission:

Labcorp Genetics (formerly Invitae), Labcorp
Classification: Uncertain significance. Last evaluated: 2022-08-09. Review status: criteria provided, single submitter. Criteria: Invitae Variant Classification Sherloc (09022015). Collection method: clinical testing. Allele origin: germline.
Comment: In summary, the available evidence is currently insufficient to determine the role of this variant in disease. Therefore, it has been classified as a Variant of Uncertain Significance. This variant is not present in population databases (gnomAD no frequency). This sequence change replaces aspartic acid, which is acidic and polar, with asparagine, which is neutral and polar, at codon 202 of the CCDC88A protein (p.Asp202Asn). Algorithms developed to predict the effect of missense changes on protein structure and function are either unavailable or do not agree on the potential impact of this missense change (SIFT: "Tolerated"; PolyPhen-2: "Possibly Damaging"; Align-GVGD: "Class C0"). ClinVar contains an entry for this variant (Variation ID: 1515961). This variant has not been reported in the literature in individuals affected with CCDC88A-related conditions.